The following is an entry in ClinVar:

NM_000368.5(TSC1):c.460T>A (p.Phe154Ile)

Gene: TSC1 (TSC complex subunit 1; minus strand). Cytogenetic location: 9q34.13.
Variant type: single nucleotide variant.
Coding change: c.460T>A on transcript NM_000368.5 (MANE Select); coding-DNA position 460, T replaced by A.
Protein change: p.Phe154Ile; replaces phenylalanine 154 with isoleucine.
Molecular consequence: missense variant.
Genome position (GRCh38, 1-based): chr9:132,923,396, A>T on the plus strand (T>A on the coding strand, the complement: TSC1 is on the minus strand). VCF-style: chr9-132923396-A-T. GRCh37 (hg19) VCF-style: chr9-135798783-A-T.
Other names: c.460T>A, p.Phe154Ile (NM_001162426.2); c.307T>A, p.Phe103Ile (NM_001162427.2); c.97T>A, p.Phe33Ile (NM_001362177.2); short protein forms F154I, F103I, F33I.
Identifiers: ClinVar variation 534448 (VCV000534448.19), dbSNP rs1485129708, ClinGen allele CA375373321.

ClinVar aggregate classification (germline): Conflicting classifications of pathogenicity. Review status: criteria provided, conflicting classifications (1 of 4 stars). 3 submissions from 3 submitters: Uncertain significance (2); Benign (1). Last evaluated 2025-11-17.

Conditions:
Hereditary cancer-predisposing syndrome. Also called: Neoplastic Syndromes, Hereditary; Hereditary neoplastic syndrome; Tumor predisposition; Hereditary Cancer Syndrome. Identifiers: Orphanet 140162, MedGen C0027672, MeSH D009386, MONDO:0015356.
Tuberous sclerosis 1 (TSC1). Identifiers: Orphanet 805, MedGen C1854465, MONDO:0008612, OMIM 191100.

Allele frequency attached by ClinVar (database versions not stated): TOPMed below 0.00001.

Submissions (3):

Labcorp Genetics (formerly Invitae), Labcorp
Classification: Benign for Tuberous sclerosis 1. Last evaluated: 2025-11-17. Review status: criteria provided, single submitter. Criteria: Invitae Variant Classification Sherloc (09022015). Collection method: clinical testing. Allele origin: germline.

Ambry Genetics
Classification: Uncertain significance for Hereditary cancer-predisposing syndrome. Last evaluated: 2024-07-24. Review status: criteria provided, single submitter. Criteria: Ambry Variant Classification Scheme 2023. Collection method: clinical testing. Allele origin: germline.
Comment: The p.F154I variant (also known as c.460T>A), located in coding exon 4 of the TSC1 gene, results from a T to A substitution at nucleotide position 460. The phenylalanine at codon 154 is replaced by isoleucine, an amino acid with highly similar properties. This amino acid position is well conserved in available vertebrate species. In addition, this alteration is predicted to be deleterious by in silico analysis. Since supporting evidence is limited at this time, the clinical significance of this alteration remains unclear.

Genome-Nilou Lab
Classification: Uncertain significance for Tuberous sclerosis 1. Last evaluated: 2021-11-07. Review status: criteria provided, single submitter. Criteria: ACMG Guidelines, 2015. Collection method: clinical testing. Allele origin: germline. Affected: no.